The following is an entry in ClinVar:

ClinVar aggregate classification (germline): Uncertain significance. Review status: criteria provided, multiple submitters, no conflicts (2 of 4 stars). 2 submissions from 2 submitters: Uncertain significance (2). Last evaluated 2024-06-02.

Conditions:
Hereditary cancer-predisposing syndrome. Also called: Hereditary Cancer Syndrome; Hereditary neoplastic syndrome; Neoplastic Syndromes, Hereditary; Tumor predisposition. Identifiers: Orphanet 140162, MedGen C0027672, MeSH D009386, MONDO:0015356.

Submissions (2):

Labcorp Genetics (formerly Invitae), Labcorp
Classification: Uncertain significance. Last evaluated: 2024-06-02. Review status: criteria provided, single submitter. Criteria: Invitae Variant Classification Sherloc (09022015). Collection method: clinical testing. Allele origin: germline.
Comment: This sequence change replaces methionine, which is neutral and non-polar, with isoleucine, which is neutral and non-polar, at codon 156 of the SMARCB1 protein (p.Met156Ile). This variant is not present in population databases (gnomAD no frequency). This variant has not been reported in the literature in individuals affected with SMARCB1-related conditions. ClinVar contains an entry for this variant (Variation ID: 1742468). Advanced modeling of protein sequence and biophysical properties (such as structural, functional, and spatial information, amino acid conservation, physicochemical variation, residue mobility, and thermodynamic stability) performed at Invitae indicates that this missense variant is not expected to disrupt SMARCB1 protein function with a negative predictive value of 80%. In summary, the available evidence is currently insufficient to determine the role of this variant in disease. Therefore, it has been classified as a Variant of Uncertain Significance.

Ambry Genetics
Classification: Uncertain significance for Hereditary cancer-predisposing syndrome. Last evaluated: 2021-09-01. Review status: criteria provided, single submitter. Criteria: Ambry Variant Classification Scheme 2023. Collection method: clinical testing. Allele origin: germline.
Comment: The p.M156I variant (also known as c.468G>A), located in coding exon 4 of the SMARCB1 gene, results from a G to A substitution at nucleotide position 468. The methionine at codon 156 is replaced by isoleucine, an amino acid with highly similar properties. This amino acid position is well conserved in available vertebrate species. In addition, the in silico prediction for this alteration is inconclusive. Missense and in-frame variants in SMARCB1 are known to cause neurodevelopmental disorders; however, such associations with rhabdoid tumor predisposition syndrome are exceedingly rare (Kosho T et al. Am J Med Genet C Semin Med Genet. 2014 Sep;166C(3):262-75; Eaton KW et al. Pediatr Blood Cancer. 2011 Jan;56(1):7-15). Based on the supporting evidence, the association of this alteration with Coffin-Siris syndrome is unknown; however, the association of this alteration with rhabdoid tumor predisposition syndrome is unlikely.

NM_003073.5(SMARCB1):c.468G>A (p.Met156Ile)

Gene: SMARCB1 (SWI/SNF related BAF chromatin remodeling complex subunit B1; plus strand). Cytogenetic location: 22q11.23.
Variant type: single nucleotide variant.
Coding change: c.468G>A on transcript NM_003073.5 (MANE Select); coding-DNA position 468, G replaced by A.
Protein change: p.Met156Ile; replaces methionine 156 with isoleucine.
Molecular consequence: missense variant.
Genome position (GRCh38, 1-based): chr22:23,801,049, G>A. VCF-style: chr22-23801049-G-A. GRCh37 (hg19) VCF-style: chr22-24143236-G-A.
Other names: c.441G>A, p.Met147Ile (NM_001007468.3, NM_001317946.2); c.468G>A, p.Met156Ile (NM_001362877.2); short protein forms M147I, M156I.
Identifiers: ClinVar variation 1742468 (VCV001742468.4), dbSNP rs2145978680, ClinGen allele CA410934522.
Genomic context (GRCh38, chr22:23,801,049, plus strand): 5'-CAACAGCTCCCACCACTTAGATGCCGTGCCATGCTCCACAACCATCAACAGGAACCGCAT[G>A]GGCCGAGACAAGAAGAGAACCTTCCCCCTTTGGTGTGGATGCATCGCTGCACTCACCCTC-3'
Protein context (NP_003064.2, residues 146-166): PCSTTINRNR[Met156Ile]GRDKKRTFPL